The following is an entry in ClinVar:

NM_002386.4(MC1R):c.302T>G (p.Leu101Arg)

Gene: MC1R (melanocortin 1 receptor; plus strand). Cytogenetic location: 16q24.3.
Variant type: single nucleotide variant.
Coding change: c.302T>G on transcript NM_002386.4 (MANE Select); coding-DNA position 302, T replaced by G.
Protein change: p.Leu101Arg; replaces leucine 101 with arginine.
Molecular consequence: missense variant.
Genome position (GRCh38, 1-based): chr16:89,919,560, T>G. VCF-style: chr16-89919560-T-G. GRCh37 (hg19) VCF-style: chr16-89985968-T-G.
Other names: short protein forms L101R.
Identifiers: ClinVar variation 4859662 (VCV004859662.1).

ClinVar aggregate classification (germline): Uncertain significance (1 of 4 stars; one submission).

gnomAD v4.1: 2 of 1,612,062 alleles (0.00012%); highest among the groups gnomAD compares: Non-Finnish European, 0.00017%; no homozygotes.

Submission:

Ambry Genetics
Classification: Uncertain significance. Last evaluated: 2026-04-26. Review status: criteria provided, single submitter. Criteria: Ambry Variant Classification Scheme 2023. Collection method: clinical testing. Allele origin: germline.
Comment: The p.L101R variant (also known as c.302T>G), located in coding exon 1 of the MC1R gene, results from a T to G substitution at nucleotide position 302. The leucine at codon 101 is replaced by arginine, an amino acid with dissimilar properties. This amino acid position is conserved. In addition, the in silico prediction for this alteration is inconclusive. Based on the available evidence, the clinical significance of this variant remains unclear.